The following is an entry in ClinVar:

ClinVar aggregate classification (germline): Likely pathogenic (1 of 4 stars; one submission).

Conditions:
Autosomal recessive limb-girdle muscular dystrophy type 2J (LGMDR10). Also called: Limb-girdle muscular dystrophy, type 2J; MUSCULAR DYSTROPHY, LIMB-GIRDLE, AUTOSOMAL RECESSIVE 10. Identifiers: Orphanet 140922, MedGen C1837342, MONDO:0012127, OMIM 608807.
Dilated cardiomyopathy 1G (CMD1G). Identifiers: Orphanet 154, MedGen C1858763, MONDO:0011400, OMIM 604145.

Allele frequency attached by ClinVar (database versions not stated): gnomAD exomes below 0.00001.

Submission:

Labcorp Genetics (formerly Invitae), Labcorp
Classification: Likely pathogenic for Dilated cardiomyopathy 1G; Autosomal recessive limb-girdle muscular dystrophy type 2J. Last evaluated: 2024-04-29. Review status: criteria provided, single submitter. Criteria: Invitae Variant Classification Sherloc (09022015). Collection method: clinical testing. Allele origin: germline.
Comment: This sequence change creates a premature translational stop signal (p.Asp30519*) in the TTN gene. While this is not anticipated to result in nonsense mediated decay, it is expected to create a truncated TTN protein. This variant is not present in population databases (gnomAD no frequency). This premature translational stop signal has been observed in individual(s) with dilated cardiomyopathy (PMID: 25163546). This variant is located in the A band of TTN (PMID: 25589632). Truncating variants in this region are significantly overrepresented in patients affected with dilated cardiomyopathy (PMID: 25589632). Truncating variants in this region have also been reported in individuals affected with autosomal recessive centronuclear myopathy (PMID: 23975875). In summary, the currently available evidence indicates that the variant is pathogenic, but additional data are needed to prove that conclusively. Therefore, this variant has been classified as Likely Pathogenic.

Literature cited by the submitters: PubMed 25163546; PubMed 25589632; PubMed 23975875.

NM_001267550.2(TTN):c.91551_91552del (p.Arg30518_Asp30519insTer)

Genes: TTN (titin; minus strand), TTN-AS1 (TTN antisense RNA 1; plus strand). Cytogenetic location: 2q31.2.
Variant type: Deletion.
Coding change: c.91551_91552del on transcript NM_001267550.2 (MANE Select); coding-DNA positions 91551 to 91552, 2 bases deleted (AA; older notation c.91551_91552delAA).
Protein change: p.Arg30518_Asp30519insTer.
Molecular consequence: frameshift variant.
Genome position (GRCh38, 1-based): chr2:178,550,979-178,550,980, TT deleted on the plus strand (AA on the coding strand, the reverse complement: TTN is on the minus strand). VCF-style (leftmost placement, unchanged base first): chr2-178550978-CTT-C. GRCh37 (hg19) VCF-style: chr2-179415705-CTT-C.
Other names: c.86628_86629del, p.Arg28877_Asp28878insTer (NM_001256850.1); c.64356_64357del, p.Arg21453_Asp21454insTer (NM_003319.4); c.83847_83848del, p.Arg27950_Asp27951insTer (NM_133378.4); c.64731_64732del, p.Arg21578_Asp21579insTer (NM_133432.3); c.64932_64933del, p.Arg21645_Asp21646insTer (NM_133437.4).
Identifiers: ClinVar variation 2953248 (VCV002953248.3), dbSNP rs2469230940, ClinGen allele CA2586970715.